The following is an entry in ClinVar:

ClinVar aggregate classification (germline): Uncertain significance. Review status: criteria provided, multiple submitters, no conflicts (2 of 4 stars). 2 submissions from 2 submitters: Uncertain significance (2). Last evaluated 2025-01-15.

Conditions:
Hereditary cancer-predisposing syndrome. Also called: Tumor predisposition; Hereditary neoplastic syndrome; Neoplastic Syndromes, Hereditary; Hereditary Cancer Syndrome. Identifiers: Orphanet 140162, MedGen C0027672, MeSH D009386, MONDO:0015356.

Submissions (2):

Ambry Genetics
Classification: Uncertain significance for Hereditary cancer-predisposing syndrome. Last evaluated: 2025-01-15. Review status: criteria provided, single submitter. Criteria: Ambry Variant Classification Scheme 2023. Collection method: clinical testing. Allele origin: germline.
Comment: The p.P90L variant (also known as c.269C>T), located in coding exon 2 of the MSH3 gene, results from a C to T substitution at nucleotide position 269. The proline at codon 90 is replaced by leucine, an amino acid with similar properties. This amino acid position is conserved. In addition, this alteration is predicted to be tolerated by in silico analysis. Based on the available evidence, the clinical significance of this variant remains unclear.

Labcorp Genetics (formerly Invitae), Labcorp
Classification: Uncertain significance. Last evaluated: 2023-08-28. Review status: criteria provided, single submitter. Criteria: Invitae Variant Classification Sherloc (09022015). Collection method: clinical testing. Allele origin: germline.
Comment: An algorithm developed to predict the effect of missense changes on protein structure and function (PolyPhen-2) suggests that this variant is likely to be tolerated. ClinVar contains an entry for this variant (Variation ID: 1425069). This variant has not been reported in the literature in individuals affected with MSH3-related conditions. This variant is not present in population databases (gnomAD no frequency). This sequence change replaces proline, which is neutral and non-polar, with leucine, which is neutral and non-polar, at codon 90 of the MSH3 protein (p.Pro90Leu). In summary, the available evidence is currently insufficient to determine the role of this variant in disease. Therefore, it has been classified as a Variant of Uncertain Significance.

NM_002439.5(MSH3):c.269C>T (p.Pro90Leu)

Gene: MSH3 (mutS homolog 3; plus strand). Cytogenetic location: 5q14.1.
Variant type: single nucleotide variant.
Coding change: c.269C>T on transcript NM_002439.5 (MANE Select); coding-DNA position 269, C replaced by T.
Protein change: p.Pro90Leu; replaces proline 90 with leucine.
Molecular consequence: missense variant.
Genome position (GRCh38, 1-based): chr5:80,656,442, C>T. VCF-style: chr5-80656442-C-T. GRCh37 (hg19) VCF-style: chr5-79952261-C-T.
Other names: c.269C>T (NM_002439.3); short protein forms P90L.
Identifiers: ClinVar variation 1425069 (VCV001425069.7), dbSNP rs2112801614, ClinGen allele CA360266203.
Genomic context (GRCh38, chr5:80,656,442, plus strand): 5'-CACATCATTTTCTAACCTTCCCGATATAGGCTACAGAAATTGACAGAAGAAAGAAGAGAC[C>T]ATTGGAAAATGATGGGCCTGTTAAAAAGAAAGTAAAGAAAGTCCAACAAAAGGAAGGAGG-3'
Protein context (NP_002430.3, residues 80-100): ATEIDRRKKR[Pro90Leu]LENDGPVKKK